The following is an entry in ClinVar:

NM_031934.6(RAB34):c.538G>A (p.Glu180Lys)

Gene: RAB34 (RAB34, member RAS oncogene family; minus strand). Cytogenetic location: 17q11.2.
Variant type: single nucleotide variant.
Coding change: c.538G>A on transcript NM_031934.6 (MANE Select); coding-DNA position 538, G replaced by A.
Protein change: p.Glu180Lys; replaces glutamic acid 180 with lysine.
Molecular consequence: missense variant. On other transcripts: 3 prime UTR variant (1).
Genome position (GRCh38, 1-based): chr17:28,715,098, C>T on the plus strand (G>A on the coding strand, the complement: RAB34 is on the minus strand). VCF-style: chr17-28715098-C-T. GRCh37 (hg19) VCF-style: chr17-27042116-C-T.
Other names: c.538G>A, p.Glu180Lys (NM_001136045.1, NM_001256277.2, NM_001256278.1); c.685G>A, p.Glu229Lys (NM_001142624.2); c.712G>A, p.Glu238Lys (NM_001142625.2); c.514G>A, p.Glu172Lys (NM_001144942.2); c.709G>A, p.Glu237Lys (NM_001144943.1); c.472G>A, p.Glu158Lys (NM_001256276.2); c.*386G>A (NM_001256281.3); short protein forms E237K, E172K, E229K, E158K, E180K, E238K.
Identifiers: ClinVar variation 2471982 (VCV002471982.4), dbSNP rs773335418, ClinGen allele CA8465985.
Genomic context (GRCh38, chr17:28,715,098, plus strand): 5'-GAGATGAGACTGCCCAGTACTCAGCCTTCATCTCCTGGGCCACCTGGAGGGCGTCTTTCT[C>T]CATCAGCGCATACTGAGCAGGGGTCTGAGGGAAGGCCAGAGTCAGAGGGGGGCATTCCCT-3'
Protein context (NP_114140.4, residues 170-190): LSTPAQYALM[Glu180Lys]KDALQVAQEM

ClinVar aggregate classification (germline): Uncertain significance. Review status: criteria provided, multiple submitters, no conflicts (2 of 4 stars). 2 submissions from 2 submitters: Uncertain significance (2). Last evaluated 2023-02-16.

Conditions:
Orofaciodigital syndrome 20. Also called: Orofaciodigital syndrome XX. Identifiers: MedGen C5935578, MONDO:0958230, OMIM 620718.

Allele frequency attached by ClinVar (database versions not stated): gnomAD 0.00001; gnomAD exomes 0.00001; TOPMed 0.00001; ExAC 0.00006.
gnomAD v4.1: 10 of 1,614,012 alleles (0.00062%); highest among the groups gnomAD compares: East Asian, 0.02%; no homozygotes.

Submissions (2):

Ambry Genetics
Classification: Uncertain significance. Last evaluated: 2023-02-16. Review status: criteria provided, single submitter. Criteria: Ambry Variant Classification Scheme 2023. Collection method: clinical testing. Allele origin: germline.

Juno Genomics, Hangzhou Juno Genomics, Inc
Classification: Uncertain significance for Orofaciodigital syndrome 20. Review status: criteria provided, single submitter. Criteria: ACMG Guidelines, 2015. Collection method: clinical testing. Allele origin: germline.
Comment: Absent from controls (or at extremely low frequency if recessive) in Genome Aggregation Database.;Multiple lines of computational evidence support a deleterious effect on the gene or gene product.